The following is an entry in ClinVar:

NM_007294.4(BRCA1):c.5467+8G>A

Gene: BRCA1 (BRCA1 DNA repair associated; minus strand). Cytogenetic location: 17q21.31.
Variant type: single nucleotide variant.
Coding change: c.5467+8G>A on transcript NM_007294.4 (MANE Select); 8 bases into the intron after coding-DNA position 5467, G replaced by A.
Molecular consequence: intron variant.
Genome position (GRCh38, 1-based): chr17:43,047,635, C>T on the plus strand (G>A on the coding strand, the complement: BRCA1 is on the minus strand). VCF-style: chr17-43047635-C-T. GRCh37 (hg19) VCF-style: chr17-41199652-C-T.
Other names: IVS23+8G>A; c.2014+8G>A (NM_001408458.1, NM_001408461.1, NM_001408464.1 and 7 more transcripts); c.4576+8G>A (NM_001407967.1); c.5086+8G>A (NM_001407959.1); c.5200+8G>A (NM_001407931.1, NM_001407932.1, NM_001407928.1 and 4 more transcripts); c.5323+8G>A (NM_001407747.1, NM_001407745.1, NM_001407737.1 and 18 more transcripts); c.5083+8G>A (NM_001407962.1, NM_001407960.1); c.1654+8G>A (NM_001408512.1); and 84 more.
Identifiers: ClinVar variation 91651 (VCV000091651.35), dbSNP rs80358062, ClinGen allele CA003615.

ClinVar aggregate classification (germline): Conflicting classifications of pathogenicity. Review status: criteria provided, conflicting classifications (1 of 4 stars). 10 submissions from 10 submitters: Uncertain significance (2); Benign (1); Likely benign (4). 3 of the submissions do not count toward it. Last evaluated 2025-12-03.

Conditions:
Hereditary cancer-predisposing syndrome. Also called: Hereditary Cancer Syndrome; Tumor predisposition; Neoplastic Syndromes, Hereditary; Hereditary neoplastic syndrome. Identifiers: Orphanet 140162, MedGen C0027672, MeSH D009386, MONDO:0015356.
Hereditary breast ovarian cancer syndrome. Also called: Breast and ovarian cancer; BRCA1- and BRCA2-Associated Hereditary Breast and Ovarian Cancer; Hereditary breast and ovarian cancer; Hereditary breast and ovarian cancer syndrome (HBOC); Hereditary breast and ovarian cancer syndrome; Hereditary breast and/or ovarian cancer syndrome. Identifiers: Orphanet 145, MedGen C0677776, MeSH D061325, MONDO:0003582. Disease mechanism: loss of function.
Breast-ovarian cancer, familial, susceptibility to, 1 (BROVCA1). Also called: BRCA1 Hereditary Breast and Ovarian Cancer; OVARIAN CANCER, SUSCEPTIBILITY TO. Identifiers: Orphanet 145, MedGen C2676676, MONDO:0011450, OMIM 604370. Disease mechanism: loss of function.

Allele frequency attached by ClinVar (database versions not stated): gnomAD exomes 0.00001; TOPMed 0.00001; ExAC 0.00002; gnomAD 0.00007.
gnomAD v4.1: 30 of 1,614,070 alleles (0.0019%); highest among the groups gnomAD compares: Non-Finnish European, 0.0025%; no homozygotes.

Submissions (11):

Labcorp Genetics (formerly Invitae), Labcorp
Classification: Likely benign for Hereditary breast ovarian cancer syndrome. Last evaluated: 2025-12-03. Review status: criteria provided, single submitter. Criteria: Invitae Variant Classification Sherloc (09022015). Collection method: clinical testing. Allele origin: germline.

CeGaT Center for Human Genetics Tuebingen
Classification: Likely benign. Last evaluated: 2025-10-01. Review status: criteria provided, single submitter. Criteria: CeGaT Center For Human Genetics Tuebingen Variant Classification Criteria Version 2. Collection method: clinical testing. Allele origin: germline. Affected: yes. Observed: 1 variant allele.
Comment: BRCA1: BP4

Women's Health and Genetics/Laboratory Corporation of America, LabCorp
Classification: Likely benign. Last evaluated: 2025-04-16. Review status: criteria provided, single submitter. Criteria: LabCorp Variant Classification Summary - May 2015. Collection method: clinical testing. Allele origin: germline.
Comment: Variant summary: BRCA1 c.5467+8G>A alters a nucleotide located at a position not widely known to affect splicing. Several computational tools predict a significant impact on normal splicing: Two predict the variant creates a 5' donor site. One predicts the variant strengthens a 5' donor site. However, these predictions have yet to be confirmed by functional studies. The variant allele was found at a frequency of 8e-06 in 251484 control chromosomes. The available data on variant occurrences in the general population are insufficient to allow any conclusion about variant significance. c.5467+8G>A has been observed in individual(s) affected with Hereditary Breast And Ovarian Cancer Syndrome (example, Judkins_2005, Wong-Brown_2015, BIC database) without strong evidence for causality. These report(s) do not provide unequivocal conclusions about association of the variant with Hereditary Breast And Ovarian Cancer Syndrome. At least one functional study reports experimental evidence evaluating an impact on protein function and showed no damaging effect of this variant on homology directed repair (HDR) activity (e.g. Findlay_2018). HDR assays qualify as a recognized gold standard on the basis of updated guidance provided by the ClinGen Sequence Variant Interpretation (SVI) working group. The following publications have been ascertained in the context of this evaluation (PMID: 30209399, 16267036, 25682074). ClinVar contains an entry for this variant (Variation ID: 91651). Based on the evidence outlined above, the variant was classified as likely benign.

Laboratory of Genetics, Children's Clinical University Hospital Latvia
Classification: Benign. Last evaluated: 2025-02-16. Review status: criteria provided, single submitter. Criteria: ACMG Guidelines, 2015. Collection method: clinical testing. Allele origin: germline. Affected: yes.

Quest Diagnostics Nichols Institute San Juan Capistrano
Classification: Uncertain significance. Last evaluated: 2023-10-16. Review status: criteria provided, single submitter. Criteria: Quest Diagnostics criteria. Collection method: clinical testing. Allele origin: unknown.
Comment: The BRCA1 c.5467+8G>A variant has been reported in individuals affected with breast cancer in the published literature (PMID: 25682074 (2015), 16267036 (2005)). This variant has also been reported to no deleterious effect of this variant on homology directed repair (HDR) activity (PMID: 30209399 (2018)). The frequency of this variant in the general population, 0.000085 (11/129188 chromosomes (Genome Aggregation Database)), is uninformative in the assessment of its pathogenicity. Analysis of this variant using software algorithms for the prediction of the effect of nucleotide changes on BRCA1 mRNA splicing yielded predictions that this variant may result in the gain of a cryptic splice site without affecting the natural splice sites (Alamut Visual). Based on the available information, we are unable to determine the clinical significance of this variant.

Color Diagnostics, LLC DBA Color Health
Classification: Likely benign for Hereditary cancer-predisposing syndrome. Last evaluated: 2016-09-26. Review status: criteria provided, single submitter. Criteria: ACMG Guidelines, 2015. Collection method: clinical testing. Allele origin: germline.

GeneDx
Classification: Uncertain significance. Last evaluated: 2013-11-29. Review status: criteria provided, single submitter. Criteria: GeneDx Variant Classification (06012015). Collection method: clinical testing. Allele origin: germline. Affected: yes.
Comment: This variant is denoted BRCA1 IVS22+8G>A or c.5467+8G>A and consists of a G>A nucleotide substitution at the +8 position of intron 22 of the BRCA1 gene. Multiple in silico prediction programs predict this variant to create a cryptic splice site that is used instead of the nearby natural donor site. The splicing defect would add 5 bases to the protein and might lead to a change the reading frame; however, it is near to the end of the protein so the clinical significance is unclear. This variant has not, to our knowledge, been published in the literature as pathogenic or benign and is listed twice in BIC as having unknown significance. BRCA1 c.5467+8G>A was not observed in approximately 6,500 individuals of European and African American ancestry in the NHLBI Exome Sequencing Project, indicating it is not a common benign variant in these populations. The intronic base is poorly conserved throughout evolution. Based on the currently available information, we cannot assess whether BRCA1 c.5467+8G>A is a pathogenic variant or a benign polymorphism.

BRCAlab, Lund University
Classification: Uncertain significance for Breast-ovarian cancer, familial, susceptibility to, 1. Last evaluated: 2020-03-02. Review status: no assertion criteria provided. Collection method: clinical testing. Allele origin: germline. Affected: yes. Not counted in ClinVar's aggregate classification.

Sharing Clinical Reports Project (SCRP)
Classification: Benign for Breast-ovarian cancer, familial 1. Last evaluated: 2013-04-10. Review status: no assertion criteria provided. Collection method: clinical testing. Allele origin: germline. Not counted in ClinVar's aggregate classification.

Breast Cancer Information Core (BIC) (BRCA1)
Classification: Uncertain significance for Breast-ovarian cancer, familial 1. Last evaluated: 2002-05-29. Review status: no assertion criteria provided. Collection method: clinical testing. Allele origin: germline. Affected: yes. Observed: 2 variant alleles. Not counted in ClinVar's aggregate classification.

Brotman Baty Institute, University of Washington
No classification provided (evidence only). Condition: Breast-ovarian cancer, familial 1. Review status: no classification provided. Collection method: in vitro. Allele origin: not applicable. Functional consequence: functionally_normal. Not counted in ClinVar's aggregate classification.
ClinVar note: "not provided" was previously submitted as the classification for the variant. However, the classification appeared to be based only on an observation of functional data so it was converted to no classification on 2025-07-30.

Literature cited by the submitters: PubMed 16267036 (cited by Women's Health and Genetics/Laboratory Corporation of America, LabCorp and Quest Diagnostics Nichols Institute San Juan Capistrano); PubMed 25682074 (cited by Women's Health and Genetics/Laboratory Corporation of America, LabCorp and Quest Diagnostics Nichols Institute San Juan Capistrano); PubMed 30209399 (cited by Women's Health and Genetics/Laboratory Corporation of America, LabCorp and Quest Diagnostics Nichols Institute San Juan Capistrano).